The following is an entry in ClinVar:

ClinVar aggregate classification (germline): Uncertain significance (1 of 4 stars; one submission).

Conditions:
Inborn genetic diseases. Identifiers: MedGen C0950123, MeSH D030342.

Submission:

Ambry Genetics
Classification: Uncertain significance for Inborn genetic diseases. Last evaluated: 2026-04-22. Review status: criteria provided, single submitter. Criteria: Ambry Variant Classification Scheme 2023. Collection method: clinical testing. Allele origin: germline.
Comment: The p.T274S variant (also known as c.820A>T), located in coding exon 2 of the SH2B3 gene, results from an A to T substitution at nucleotide position 820. The threonine at codon 274 is replaced by serine, an amino acid with similar properties. This amino acid position is conserved. In addition, the in silico prediction for this alteration is inconclusive. Based on the available evidence, the clinical significance of this variant remains unclear.

NM_005475.3(SH2B3):c.820A>T (p.Thr274Ser)

Gene: SH2B3 (SH2B adaptor protein 3; plus strand). Cytogenetic location: 12q24.12.
Variant type: single nucleotide variant.
Coding change: c.820A>T on transcript NM_005475.3 (MANE Select); coding-DNA position 820, A replaced by T.
Protein change: p.Thr274Ser; replaces threonine 274 with serine.
Molecular consequence: missense variant.
Genome position (GRCh38, 1-based): chr12:111,446,840, A>T. VCF-style: chr12-111446840-A-T. GRCh37 (hg19) VCF-style: chr12-111884644-A-T.
Other names: c.214A>T, p.Thr72Ser (NM_001291424.1); short protein forms T274S, T72S.
Identifiers: ClinVar variation 4864426 (VCV004864426.1).